The following is an entry in ClinVar:

ClinVar aggregate classification (germline): Uncertain significance (1 of 4 stars; one submission).

Conditions:
Familial thoracic aortic aneurysm and aortic dissection (TAAD). Also called: Thoracic aortic aneurysms and dissections. Identifiers: Orphanet 91387, MedGen C4707243, MONDO:0019625.

Allele frequency attached by ClinVar (database versions not stated): gnomAD exomes 0.00001.
gnomAD v4.1: 4 of 1,613,416 alleles (0.00025%); highest among the groups gnomAD compares: Non-Finnish European, 0.00034%; no homozygotes.

Submission:

Ambry Genetics
Classification: Uncertain significance for Familial thoracic aortic aneurysm and aortic dissection. Last evaluated: 2023-01-14. Review status: criteria provided, single submitter. Criteria: Ambry Variant Classification Scheme 2023. Collection method: clinical testing. Allele origin: germline.
Comment: The p.E361D variant (also known as c.1083A>C), located in coding exon 10 of the PRKG1 gene, results from an A to C substitution at nucleotide position 1083. The glutamic acid at codon 361 is replaced by aspartic acid, an amino acid with highly similar properties. This amino acid position is conserved. In addition, the in silico prediction for this alteration is inconclusive. Since supporting evidence is limited at this time, the clinical significance of this alteration remains unclear.

NM_006258.4(PRKG1):c.1083A>C (p.Glu361Asp)

Gene: PRKG1 (protein kinase cGMP-dependent 1; plus strand). Cytogenetic location: 10q21.1.
Variant type: single nucleotide variant.
Coding change: c.1083A>C on transcript NM_006258.4 (MANE Select); coding-DNA position 1083, A replaced by C.
Protein change: p.Glu361Asp; replaces glutamic acid 361 with aspartic acid.
Molecular consequence: missense variant. On other transcripts: 5 prime UTR variant (1).
Genome position (GRCh38, 1-based): chr10:52,251,576, A>C. VCF-style: chr10-52251576-A-C. GRCh37 (hg19) VCF-style: chr10-54011336-A-C.
Other names: c.1038A>C, p.Glu346Asp (NM_001098512.3); c.-127A>C (NM_001374781.1); short protein forms E346D, E361D.
Identifiers: ClinVar variation 2450775 (VCV002450775.2), dbSNP rs1346939466, ClinGen allele CA376534630.